The following is an entry in ClinVar:

ClinVar aggregate classification (germline): Likely benign (0 of 4 stars; one submission).

Conditions:
TRDN-related disorder. Also called: TRDN-related condition.

Submission:

PreventionGenetics, part of Exact Sciences
Classification: Likely benign for TRDN-related condition. Last evaluated: 2022-09-01. Review status: no assertion criteria provided. Collection method: clinical testing. Allele origin: germline.
Comment: This variant is classified as likely benign based on ACMG/AMP sequence variant interpretation guidelines (Richards et al. 2015 PMID: 25741868, with internal and published modifications).

NM_006073.4(TRDN):c.484+1229T>C

Gene: TRDN (triadin; minus strand). Cytogenetic location: 6q22.31.
Variant type: single nucleotide variant.
Coding change: c.484+1229T>C on transcript NM_006073.4 (MANE Select); 1229 bases into the intron after coding-DNA position 484, T replaced by C.
Molecular consequence: intron variant. On other transcripts: synonymous variant (1).
Genome position (GRCh38, 1-based): chr6:123,529,277, A>G on the plus strand (T>C on the coding strand, the complement: TRDN is on the minus strand). VCF-style: chr6-123529277-A-G. GRCh37 (hg19) VCF-style: chr6-123850422-A-G.
Other names: c.501T>C, p.Ser167= (NM_001256022.2); c.484+1229T>C (NM_001407315.1, NM_001251987.2, NM_001256020.2 and 1 more transcripts).
Identifiers: ClinVar variation 3052551 (VCV003052551.2), dbSNP rs985850393, ClinGen allele CA147293197.